The following is an entry in ClinVar:

NM_001035.3(RYR2):c.8048C>T (p.Ser2683Leu)

Gene: RYR2 (ryanodine receptor 2; plus strand). Cytogenetic location: 1q43.
Variant type: single nucleotide variant.
Coding change: c.8048C>T on transcript NM_001035.3 (MANE Select); coding-DNA position 8048, C replaced by T.
Protein change: p.Ser2683Leu; replaces serine 2683 with leucine.
Molecular consequence: missense variant.
Genome position (GRCh38, 1-based): chr1:237,655,903, C>T. VCF-style: chr1-237655903-C-T. GRCh37 (hg19) VCF-style: chr1-237819203-C-T.
Other names: short protein forms S2683L.
Identifiers: ClinVar variation 1693201 (VCV001693201.7), dbSNP rs776621043, ClinGen allele CA087560.
Genomic context (GRCh38, chr1:237,655,903, plus strand): 5'-AACTGGCACTGCCTTGCCTGAGTGCAGTTGCGGGAGCTTTGCCTCCAGACTACATGGAGT[C>T]AAATTATGTCAGTATGATGGAAAAACAGTCATCAATGGATTCTGAAGGGAACTTTAACCC-3'
Protein context (NP_001026.2, residues 2673-2693): AGALPPDYME[Ser2683Leu]NYVSMMEKQS

ClinVar aggregate classification (germline): Uncertain significance. Review status: criteria provided, multiple submitters, no conflicts (2 of 4 stars). 4 submissions from 4 submitters: Uncertain significance (4). Last evaluated 2025-05-01.

Conditions:
Arrhythmogenic right ventricular cardiomyopathy (ARVD). Also called: Cardiomyopathy, ARVC; Arrhythmogenic right ventricular dysplasia; Arrhythmogenic cardiomyopathy; Arrhythmogenic Right Ventricular Cardiomyopathy (ARVC). Identifiers: Orphanet 247, MedGen C0349788, MeSH D019571, MONDO:0016587. Disease mechanism: loss of function. Inheritance: Various modes of inheritance.
Catecholaminergic polymorphic ventricular tachycardia (CVPT). Also called: Catecholamine-induced polymorphic ventricular tachycardia. Identifiers: Orphanet 3286, MedGen C5574922, MONDO:0017990.
Long QT syndrome (LQTS). Identifiers: MedGen C0023976, MeSH D008133, MONDO:0002442. Disease mechanism: loss of function. Inheritance: Various modes of inheritance.
Catecholaminergic polymorphic ventricular tachycardia 1. Also called: VENTRICULAR TACHYCARDIA, CATECHOLAMINERGIC POLYMORPHIC, 1, WITH OR WITHOUT ATRIAL DYSFUNCTION AND/OR DILATED CARDIOMYOPATHY; RYR2-Related Catecholaminergic Polymorphic Ventricular Tachycardia; VENTRICULAR TACHYCARDIA, STRESS-INDUCED POLYMORPHIC 1. Identifiers: Orphanet 3286, MedGen C1631597, MONDO:0011484, OMIM 604772.

Allele frequency attached by ClinVar (database versions not stated): gnomAD exomes below 0.00001; ExAC 0.00001.
gnomAD v4.1: 1 of 1,611,834 alleles (0.000062%); highest among the groups gnomAD compares: Non-Finnish European, 0.000085%; no homozygotes.

Submissions (4):

Labcorp Genetics (formerly Invitae), Labcorp
Classification: Uncertain significance for Catecholaminergic polymorphic ventricular tachycardia 1. Last evaluated: 2025-05-01. Review status: criteria provided, single submitter. Criteria: Invitae Variant Classification Sherloc (09022015). Collection method: clinical testing. Allele origin: germline.
Comment: This sequence change replaces serine, which is neutral and polar, with leucine, which is neutral and non-polar, at codon 2683 of the RYR2 protein (p.Ser2683Leu). This variant is not present in population databases (gnomAD no frequency). This variant has not been reported in the literature in individuals affected with RYR2-related conditions. ClinVar contains an entry for this variant (Variation ID: 1693201). Invitae Evidence Modeling of protein sequence and biophysical properties (such as structural, functional, and spatial information, amino acid conservation, physicochemical variation, residue mobility, and thermodynamic stability) indicates that this missense variant is not expected to disrupt RYR2 protein function with a negative predictive value of 95%. In summary, the available evidence is currently insufficient to determine the role of this variant in disease. Therefore, it has been classified as a Variant of Uncertain Significance.

All of Us Research Program, National Institutes of Health
Classification: Uncertain significance for Catecholaminergic polymorphic ventricular tachycardia. Last evaluated: 2024-09-11. Review status: criteria provided, single submitter. Criteria: ACMG Guidelines, 2015. Collection method: clinical testing. Allele origin: germline. Inheritance: Autosomal dominant inheritance. Observed: 2 variant alleles, 2 heterozygotes.
Comment: This missense variant replaces serine with leucine at codon 2683 of the RYR2 protein. Computational prediction suggests that this variant may not impact protein structure and function (internally defined REVEL score threshold <= 0.5, PMID: 27666373). To our knowledge, functional studies have not been reported for this variant. This variant has not been reported in individuals affected with RYR2-related disorders in the literature. This variant has been identified in 1/245746 chromosomes in the general population by the Genome Aggregation Database (gnomAD). The available evidence is insufficient to determine the role of this variant in disease conclusively. Therefore, this variant is classified as a Variant of Uncertain Significance.

This study involves interpretation of variants in research participants for the purpose of population health screening. Participant phenotype was not available at the time of variant classification. Additional details can be found in publication PMID: 35346344, PMCID: PMC8962531

Dept of Medical Biology, Uskudar University
Classification: Uncertain significance for Long QT syndrome. Last evaluated: 2024-01-08. Review status: criteria provided, single submitter. Criteria: Dept of Medical Biology Variant Classification. Collection method: research. Allele origin: maternal. Affected: yes. Observed: 1 variant allele.
Comment: Criteria: PM2, PP2

Molecular Genetics Laboratory - Cardiogenetics, CHU de Nantes
Classification: Uncertain significance for Arrhythmogenic right ventricular cardiomyopathy. Last evaluated: 2022-06-01. Review status: criteria provided, single submitter. Criteria: ACMG Guidelines, 2015. Collection method: curation. Allele origin: germline. Affected: yes.